The following is an entry in ClinVar:

ClinVar aggregate classification (germline): Uncertain significance (1 of 4 stars; one submission).

Allele frequency attached by ClinVar (database versions not stated): gnomAD 0.00001; TOPMed 0.00001.
gnomAD v4.1: 22 of 1,614,024 alleles (0.0014%); highest among the groups gnomAD compares: Non-Finnish European, 0.0017%; no homozygotes.

Submission:

Labcorp Genetics (formerly Invitae), Labcorp
Classification: Uncertain significance. Last evaluated: 2025-06-24. Review status: criteria provided, single submitter. Criteria: Invitae Variant Classification Sherloc (09022015). Collection method: clinical testing. Allele origin: germline.
Comment: This sequence change replaces alanine, which is neutral and non-polar, with threonine, which is neutral and polar, at codon 212 of the VCAN protein (p.Ala212Thr). This variant is present in population databases (rs776097320, gnomAD 0.007%). This variant has not been reported in the literature in individuals affected with VCAN-related conditions. ClinVar contains an entry for this variant (Variation ID: 1057475). An algorithm developed to predict the effect of missense changes on protein structure and function outputs the following: PolyPhen-2: "Benign". The threonine amino acid residue is found in multiple mammalian species, which suggests that this missense change does not adversely affect protein function. In summary, the available evidence is currently insufficient to determine the role of this variant in disease. Therefore, it has been classified as a Variant of Uncertain Significance.

NM_004385.5(VCAN):c.634G>A (p.Ala212Thr)

Gene: VCAN (versican; plus strand). Cytogenetic location: 5q14.2.
Variant type: single nucleotide variant.
Coding change: c.634G>A on transcript NM_004385.5 (MANE Select); coding-DNA position 634, G replaced by A.
Protein change: p.Ala212Thr; replaces alanine 212 with threonine.
Molecular consequence: missense variant.
Genome position (GRCh38, 1-based): chr5:83,493,817, G>A. VCF-style: chr5-83493817-G-A. GRCh37 (hg19) VCF-style: chr5-82789636-G-A.
Other names: c.634G>A, p.Ala212Thr (NM_001126336.3, NM_001164097.2, NM_001164098.2); short protein forms A212T.
Identifiers: ClinVar variation 1057475 (VCV001057475.7), dbSNP rs776097320, ClinGen allele CA3332496.